The following is an entry in ClinVar:

ClinVar aggregate classification (germline): Uncertain significance (1 of 4 stars; one submission).

Submission:

Ambry Genetics
Classification: Uncertain significance. Last evaluated: 2025-09-21. Review status: criteria provided, single submitter. Criteria: Ambry Variant Classification Scheme 2023. Collection method: clinical testing. Allele origin: germline.
Comment: The p.R96L variant (also known as c.287G>T), located in coding exon 1 of the TET2 gene, results from a G to T substitution at nucleotide position 287. The arginine at codon 96 is replaced by leucine, an amino acid with dissimilar properties. This amino acid position is conserved. In addition, the in silico prediction for this alteration is inconclusive. Based on the available evidence, the clinical significance of this variant remains unclear.

NM_001127208.3(TET2):c.287G>T (p.Arg96Leu)

Genes: TET2 (tet methylcytosine dioxygenase 2; plus strand), TET2-AS1 (TET2 antisense RNA 1; minus strand). Cytogenetic location: 4q24.
Variant type: single nucleotide variant.
Coding change: c.287G>T on transcript NM_001127208.3 (MANE Select); coding-DNA position 287, G replaced by T.
Protein change: p.Arg96Leu; replaces arginine 96 with leucine.
Molecular consequence: missense variant.
Genome position (GRCh38, 1-based): chr4:105,234,229, G>T. VCF-style: chr4-105234229-G-T. GRCh37 (hg19) VCF-style: chr4-106155386-G-T.
Other names: c.287G>T, p.Arg96Leu (NM_017628.4); short protein forms R96L.
Identifiers: ClinVar variation 4594121 (VCV004594121.1).